The following is an entry in ClinVar:

NM_005076.5(CNTN2):c.2506G>A (p.Val836Met)

Gene: CNTN2 (contactin 2; plus strand). Cytogenetic location: 1q32.1.
Variant type: single nucleotide variant.
Coding change: c.2506G>A on transcript NM_005076.5 (MANE Select); coding-DNA position 2506, G replaced by A.
Protein change: p.Val836Met; replaces valine 836 with methionine.
Molecular consequence: missense variant. On other transcripts: non-coding transcript variant (1).
Genome position (GRCh38, 1-based): chr1:205,070,500, G>A. VCF-style: chr1-205070500-G-A. GRCh37 (hg19) VCF-style: chr1-205039628-G-A.
Other names: c.2506G>A, p.Val836Met (NM_001346083.2); short protein forms V836M.
Identifiers: ClinVar variation 643988 (VCV000643988.9), dbSNP rs775217770, ClinGen allele CA1351711.

ClinVar aggregate classification (germline): Uncertain significance. Review status: criteria provided, multiple submitters, no conflicts (2 of 4 stars). 2 submissions from 2 submitters: Uncertain significance (2). Last evaluated 2024-02-05.

Conditions:
Epilepsy, familial adult myoclonic, 5 (EPEO5). Also called: CORTICAL MYOCLONIC TREMOR WITH EPILEPSY, FAMILIAL, 5. Identifiers: Orphanet 86814, MedGen C3809374, MONDO:0014167, OMIM 615400.

Allele frequency attached by ClinVar (database versions not stated): gnomAD below 0.00001 and 0.00001; TOPMed 0.00002; gnomAD exomes 0.00006 and 0.00007; ExAC 0.00009.
gnomAD v4.1: 84 of 1,613,856 alleles (0.0052%); highest among the groups gnomAD compares: South Asian, 0.081%; no homozygotes.

Submissions (2):

Ambry Genetics
Classification: Uncertain significance. Last evaluated: 2024-02-05. Review status: criteria provided, single submitter. Criteria: Ambry Variant Classification Scheme 2023. Collection method: clinical testing. Allele origin: germline.

Labcorp Genetics (formerly Invitae), Labcorp
Classification: Uncertain significance for Epilepsy, familial adult myoclonic, 5. Last evaluated: 2023-12-07. Review status: criteria provided, single submitter. Criteria: Invitae Variant Classification Sherloc (09022015). Collection method: clinical testing. Allele origin: germline.
Comment: This sequence change replaces valine, which is neutral and non-polar, with methionine, which is neutral and non-polar, at codon 836 of the CNTN2 protein (p.Val836Met). This variant is present in population databases (rs775217770, gnomAD 0.05%). This variant has not been reported in the literature in individuals affected with CNTN2-related conditions. ClinVar contains an entry for this variant (Variation ID: 643988). Advanced modeling of protein sequence and biophysical properties (such as structural, functional, and spatial information, amino acid conservation, physicochemical variation, residue mobility, and thermodynamic stability) performed at Invitae indicates that this missense variant is not expected to disrupt CNTN2 protein function with a negative predictive value of 95%. In summary, the available evidence is currently insufficient to determine the role of this variant in disease. Therefore, it has been classified as a Variant of Uncertain Significance.